The following is an entry in ClinVar:

NM_016239.4(MYO15A):c.8735T>C (p.Val2912Ala)

Gene: MYO15A (myosin XVA; plus strand). Cytogenetic location: 17p11.2.
Variant type: single nucleotide variant.
Coding change: c.8735T>C on transcript NM_016239.4 (MANE Select); coding-DNA position 8735, T replaced by C.
Protein change: p.Val2912Ala; replaces valine 2912 with alanine.
Molecular consequence: missense variant.
Genome position (GRCh38, 1-based): chr17:18,157,177, T>C. VCF-style: chr17-18157177-T-C. GRCh37 (hg19) VCF-style: chr17-18060491-T-C.
Other names: short protein forms V2912A.
Identifiers: ClinVar variation 4685220 (VCV004685220.1).

ClinVar aggregate classification (germline): Uncertain significance (1 of 4 stars; one submission).

Submission:

GeneDx
Classification: Uncertain significance. Last evaluated: 2025-07-10. Review status: criteria provided, single submitter. Criteria: GeneDx Variant Classification Process June 2021. Collection method: clinical testing. Allele origin: germline. Affected: yes.
Comment: Not observed at significant frequency in large population cohorts (gnomAD); In silico analysis suggests that this missense variant does not alter protein structure/function; Has not been previously published as pathogenic or benign to our knowledge